The following is an entry in ClinVar:

ClinVar aggregate classification (germline): Uncertain significance (1 of 4 stars; one submission).

Submission:

Greenwood Genetic Center Diagnostic Laboratories, Greenwood Genetic Center
Classification: Uncertain significance. Last evaluated: 2022-11-03. Review status: criteria provided, single submitter. Criteria: ACMG Guidelines, 2015. Collection method: clinical testing. Allele origin: germline. Affected: yes.
Comment: Gene of Uncertain Significance

NM_002850.4(PTPRS):c.5278A>G (p.Thr1760Ala)

Gene: PTPRS (protein tyrosine phosphatase receptor type S; minus strand). Cytogenetic location: 19p13.3.
Variant type: single nucleotide variant.
Coding change: c.5278A>G on transcript NM_002850.4 (MANE Select); coding-DNA position 5278, A replaced by G.
Protein change: p.Thr1760Ala; replaces threonine 1760 with alanine.
Molecular consequence: missense variant.
Genome position (GRCh38, 1-based): chr19:5,210,762, T>C on the plus strand (A>G on the coding strand, the complement: PTPRS is on the minus strand). VCF-style: chr19-5210762-T-C. GRCh37 (hg19) VCF-style: chr19-5210773-T-C.
Other names: c.5212A>G, p.Thr1738Ala (NM_001394011.1); c.5191A>G, p.Thr1731Ala (NM_001394012.1); c.5152A>G, p.Thr1718Ala (NM_001394013.1); c.3937A>G, p.Thr1313Ala (NM_130853.3); c.5164A>G, p.Thr1722Ala (NM_130854.3); c.3949A>G, p.Thr1317Ala (NM_130855.3); short protein forms T1313A, T1317A, T1718A, T1722A, T1731A, T1738A, T1760A.
Identifiers: ClinVar variation 2429091 (VCV002429091.4), dbSNP rs1176246574, ClinGen allele CA403502164.